The following is an entry in ClinVar:

NM_019616.4(F7):c.1033A>T (p.Thr345Ser)

Gene: F7 (coagulation factor VII; plus strand). Cytogenetic location: 13q34.
Variant type: single nucleotide variant.
Coding change: c.1033A>T on transcript NM_019616.4 (MANE Select); coding-DNA position 1033, A replaced by T.
Protein change: p.Thr345Ser; replaces threonine 345 with serine.
Molecular consequence: missense variant. On other transcripts: non-coding transcript variant (1).
Genome position (GRCh38, 1-based): chr13:113,118,706, A>T. VCF-style: chr13-113118706-A-T. GRCh37 (hg19) VCF-style: chr13-113773020-A-T.
Other names: c.1099A>T, p.Thr367Ser (NM_000131.5); c.847A>T, p.Thr283Ser (NM_001267554.2); short protein forms T367S, T283S, T345S.
Identifiers: ClinVar variation 2346099 (VCV002346099.3), dbSNP rs747673406, ClinGen allele CA7060220.

ClinVar aggregate classification (germline): Uncertain significance. Review status: criteria provided, multiple submitters, no conflicts (2 of 4 stars). 2 submissions from 2 submitters: Uncertain significance (2). Last evaluated 2025-07-21.

Conditions:
Inborn genetic diseases. Identifiers: MedGen C0950123, MeSH D030342.
Congenital factor VII deficiency. Identifiers: Orphanet 327, MedGen C0272320, MONDO:0009211, OMIM 227500.

Allele frequency attached by ClinVar (database versions not stated): gnomAD 0.00003; gnomAD exomes 0.00007; ExAC 0.00010; TOPMed 0.00010.
gnomAD v4.1: 49 of 1,612,204 alleles (0.003%); highest among the groups gnomAD compares: Admixed American, 0.082%; no homozygotes.

Submissions (2):

3billion
Classification: Uncertain significance for Congenital factor VII deficiency. Last evaluated: 2025-07-21. Review status: criteria provided, single submitter. Criteria: ACMG Guidelines, 2015. Collection method: clinical testing. Allele origin: germline. Affected: yes.
Comment: The variant is observed at an extremely low frequency in the gnomAD v4.1.0 dataset (total allele frequency: 0.003%). Predicted Consequence/Location: Missense variant In silico tool predictions suggest damaging effect of the variant on gene or gene product [3Cnet: 0.93 (> 0.75, sensitivity 0.96 and precision 0.92)]. The variant has been reported as of uncertain significance (ClinVar ID: VCV002346099). Therefore, this variant is classified as VUS according to the recommendation of ACMG/AMP guideline.

Ambry Genetics
Classification: Uncertain significance for Inborn genetic diseases. Last evaluated: 2021-09-01. Review status: criteria provided, single submitter. Criteria: Ambry Variant Classification Scheme 2023. Collection method: clinical testing. Allele origin: germline.